The following is an entry in ClinVar:

ClinVar aggregate classification (germline): Uncertain significance. Review status: criteria provided, multiple submitters, no conflicts (2 of 4 stars). 2 submissions from 2 submitters: Uncertain significance (2). Last evaluated 2024-02-14.

Conditions:
Inborn genetic diseases. Identifiers: MedGen C0950123, MeSH D030342.

gnomAD v4.1: 4 of 1,613,560 alleles (0.00025%); highest among the groups gnomAD compares: Non-Finnish European, 0.00034%; no homozygotes.

Submissions (2):

Mayo Clinic Laboratories, Mayo Clinic
Classification: Uncertain significance. Last evaluated: 2024-02-14. Review status: criteria provided, single submitter. Criteria: ACMG Guidelines, 2015. Collection method: clinical testing. Allele origin: germline. Observed: 1 variant allele.
Comment: PP3, PM1_supporting, PM2_moderate

Ambry Genetics
Classification: Uncertain significance for Inborn genetic diseases. Last evaluated: 2022-05-26. Review status: criteria provided, single submitter. Criteria: Ambry Variant Classification Scheme 2023. Collection method: clinical testing. Allele origin: germline.

NM_002035.4(KDSR):c.167G>T (p.Gly56Val)

Gene: KDSR (3-ketodihydrosphingosine reductase; minus strand). Cytogenetic location: 18q21.33.
Variant type: single nucleotide variant.
Coding change: c.167G>T on transcript NM_002035.4 (MANE Select); coding-DNA position 167, G replaced by T.
Protein change: p.Gly56Val; replaces glycine 56 with valine.
Molecular consequence: missense variant.
Genome position (GRCh38, 1-based): chr18:63,362,810, C>A on the plus strand (G>T on the coding strand, the complement: KDSR is on the minus strand). VCF-style: chr18-63362810-C-A. GRCh37 (hg19) VCF-style: chr18-61030043-C-A.
Other names: p.Gly56Val; short protein forms G56V.
Identifiers: ClinVar variation 2371724 (VCV002371724.3), dbSNP rs1568073272, ClinGen allele CA402633753.